The following is an entry in ClinVar:

ClinVar aggregate classification (germline): Benign (1 of 4 stars; one submission).

Allele frequency attached by ClinVar (database versions not stated): ESP Exome Variant Server 0.29056; TOPMed 0.31321; gnomAD 0.31677; gnomAD exomes 0.34209; ExAC 0.37265; 1000 Genomes Project 30x 0.40928; 1000 Genomes Project 0.41354.
gnomAD v4.1: 544,599 of 1,603,380 alleles (34%); highest among the groups gnomAD compares: East Asian, 62%; 96,822 homozygotes.

Submission:

Unidad de Genómica Garrahan, Hospital de Pediatría Garrahan
Classification: Benign. Last evaluated: 2024-01-24. Review status: criteria provided, single submitter. Criteria: ACMG Guidelines, 2015. Collection method: clinical testing. Allele origin: germline. Affected: no. Observed: 48 variant alleles.
Comment: This variant is classified as Benign based on local population frequency. This variant was detected in 55% of patients studied by a panel of primary immunodeficiencies. Number of patients: 48. Only high quality variants are reported.

NM_004944.4(DNASE1L3):c.801+42A>G

Gene: DNASE1L3 (deoxyribonuclease 1L3; minus strand). Cytogenetic location: 3p14.3.
Variant type: single nucleotide variant.
Coding change: c.801+42A>G on transcript NM_004944.4 (MANE Select); 42 bases into the intron after coding-DNA position 801, A replaced by G.
Molecular consequence: intron variant.
Genome position (GRCh38, 1-based): chr3:58,193,301, T>C on the plus strand (A>G on the coding strand, the complement: DNASE1L3 is on the minus strand). VCF-style: chr3-58193301-T-C. GRCh37 (hg19) VCF-style: chr3-58179028-T-C.
Other names: c.711+42A>G (NM_001256560.2).
Identifiers: ClinVar variation 2688407 (VCV002688407.2), dbSNP rs3732630, ClinGen allele CA2469848.
Genomic context (GRCh38, chr3:58,193,301, plus strand): 5'-TAATTTTTTTGAATTTTTCATAGAGATGGAGTCTCATCATGTTGCCCAAGCTAACTCATC[T>C]TTCCAGGACAATGGCATAGAAAGACAAGATGGCAACCTTACCTCCTCTTCAGTCAGCTTG-3'